The following is an entry in ClinVar:

NM_177438.3(DICER1):c.2245_2248dup (p.Pro750fs)

Gene: DICER1 (dicer 1, ribonuclease III; minus strand). Cytogenetic location: 14q32.13.
Variant type: Duplication.
Coding change: c.2245_2248dup on transcript NM_177438.3 (MANE Select); coding-DNA positions 2245 to 2248, 4 bases duplicated (TACC; older notation c.2245_2248dupTACC).
Protein change: p.Pro750fs; shifts the reading frame from proline 750.
Molecular consequence: frameshift variant.
Genome position (GRCh38, 1-based): chr14:95,111,325-95,111,328, GGTA duplicated on the plus strand (TACC on the coding strand, the reverse complement: DICER1 is on the minus strand); duplicating any 4 consecutive bases within chr14:95,111,325-95,111,329 gives the same sequence; the c. name uses the placement nearest the transcript's 3' end. VCF-style (leftmost placement, unchanged base first): chr14-95111324-G-GGGTA. GRCh37 (hg19) VCF-style: chr14-95577661-G-GGGTA.
Other names: c.2245_2248dupTACC (NM_177438.2); c.2245_2248dup, p.Pro750fs (NM_001195573.1, NM_001271282.3, NM_001291628.2 and 1 more transcripts); short protein forms P750fs.
Identifiers: ClinVar variation 477093 (VCV000477093.12), dbSNP rs1555371565, ClinGen allele CA658656439.

ClinVar aggregate classification (germline): Pathogenic. Review status: criteria provided, multiple submitters, no conflicts (2 of 4 stars). 2 submissions from 2 submitters: Pathogenic (2). Last evaluated 2024-04-15.

Conditions:
DICER1-related tumor predisposition. Also called: DICER1-related pleuropulmonary blastoma cancer predisposition syndrome; DICER1 syndrome. Identifiers: Orphanet 284343, MedGen C3839822, MONDO:0100216.

Submissions (2):

Labcorp Genetics (formerly Invitae), Labcorp
Classification: Pathogenic for DICER1-related tumor predisposition. Last evaluated: 2024-04-15. Review status: criteria provided, single submitter. Criteria: Invitae Variant Classification Sherloc (09022015). Collection method: clinical testing. Allele origin: germline.
Comment: This sequence change creates a premature translational stop signal (p.Pro750Leufs*12) in the DICER1 gene. It is expected to result in an absent or disrupted protein product. Loss-of-function variants in DICER1 are known to be pathogenic (PMID: 19556464, 21266384). This variant is not present in population databases (gnomAD no frequency). This premature translational stop signal has been observed in individual(s) with pleuropulmonary blastoma (PMID: 19556464). This variant is also known as c.2430insTACC. ClinVar contains an entry for this variant (Variation ID: 477093). For these reasons, this variant has been classified as Pathogenic.

Foulkes Cancer Genetics LDI, Lady Davis Institute for Medical Research
Classification: Pathogenic for Pleuropulmonary blastoma. Last evaluated: 2019-07-01. Review status: criteria provided, single submitter. Criteria: ACMG Guidelines, 2015. Collection method: curation. Allele origin: germline. Affected: yes. Observed: 1 variant allele.
Comment: ACMG criteria met: PVS1, PM2, PP4

Literature cited by the submitters: PubMed 19556464 (cited by Labcorp Genetics (formerly Invitae), Labcorp and Foulkes Cancer Genetics LDI, Lady Davis Institute for Medical Research); PubMed 21266384 (cited by Labcorp Genetics (formerly Invitae), Labcorp).